The following is an entry in ClinVar:

NM_020297.4(ABCC9):c.2851G>A (p.Glu951Lys)

Gene: ABCC9 (ATP binding cassette subfamily C member 9; minus strand). Cytogenetic location: 12p12.1.
Variant type: single nucleotide variant.
Coding change: c.2851G>A on transcript NM_020297.4 (MANE Select); coding-DNA position 2851, G replaced by A.
Protein change: p.Glu951Lys; replaces glutamic acid 951 with lysine.
Molecular consequence: missense variant.
Genome position (GRCh38, 1-based): chr12:21,848,165, C>T on the plus strand (G>A on the coding strand, the complement: ABCC9 is on the minus strand). VCF-style: chr12-21848165-C-T. GRCh37 (hg19) VCF-style: chr12-22001099-C-T.
Other names: c.2851G>A, p.Glu951Lys (NM_001377273.1, NM_005691.4); c.1984G>A, p.Glu662Lys (NM_001377274.1); short protein forms E662K, E951K.
Identifiers: ClinVar variation 2911458 (VCV002911458.3), dbSNP rs2541102707, ClinGen allele CA384121679.
Genomic context (GRCh38, chr12:21,848,165, plus strand): 5'-CTGTTATCCCATTAGAATGTTCCAGATAAAAGAAAAAAGATCTACCTTCGTCTTCGTCCT[C>T]CATCTGGGCTTTGGCTTCTCTTGAATACATGGCCCGTCGGAGAGTTTTCCTCTCTAAAGT-3'
Protein context (NP_064693.2, residues 941-961): MYSREAKAQM[Glu951Lys]DEDEEEEEEE

ClinVar aggregate classification (germline): Uncertain significance (1 of 4 stars; one submission).

Conditions:
Dilated cardiomyopathy 1O (CMD1O). Also called: CARDIOMYOPATHY, DILATED, WITH VENTRICULAR TACHYCARDIA. Identifiers: Orphanet 154, MedGen C1837839, MONDO:0012062, OMIM 608569.

gnomAD v4.1: 1 of 1,613,564 alleles (0.000062%); highest among the groups gnomAD compares: Non-Finnish European, 0.000085%; no homozygotes.

Submission:

Labcorp Genetics (formerly Invitae), Labcorp
Classification: Uncertain significance for Dilated cardiomyopathy 1O. Last evaluated: 2023-09-13. Review status: criteria provided, single submitter. Criteria: Invitae Variant Classification Sherloc (09022015). Collection method: clinical testing. Allele origin: germline.
Comment: In summary, the available evidence is currently insufficient to determine the role of this variant in disease. Therefore, it has been classified as a Variant of Uncertain Significance. Advanced modeling of protein sequence and biophysical properties (such as structural, functional, and spatial information, amino acid conservation, physicochemical variation, residue mobility, and thermodynamic stability) has been performed at Invitae for this missense variant, however the output from this modeling did not meet the statistical confidence thresholds required to predict the impact of this variant on ABCC9 protein function. This sequence change replaces glutamic acid, which is acidic and polar, with lysine, which is basic and polar, at codon 951 of the ABCC9 protein (p.Glu951Lys). This variant is not present in population databases (gnomAD no frequency). This variant has not been reported in the literature in individuals affected with ABCC9-related conditions.